The following is an entry in ClinVar:

NM_002529.4(NTRK1):c.396G>A (p.Trp132Ter)

Gene: NTRK1 (neurotrophic receptor tyrosine kinase 1; plus strand). Cytogenetic location: 1q23.1.
Variant type: single nucleotide variant.
Coding change: c.396G>A on transcript NM_002529.4 (MANE Select); coding-DNA position 396, G replaced by A.
Protein change: p.Trp132Ter; replaces tryptophan 132 with a stop codon.
Molecular consequence: nonsense.
Genome position (GRCh38, 1-based): chr1:156,866,946, G>A. VCF-style: chr1-156866946-G-A. GRCh37 (hg19) VCF-style: chr1-156836738-G-A.
Other names: c.306G>A, p.Trp102Ter (NM_001007792.1); c.396G>A, p.Trp132Ter (NM_001012331.2); short protein forms W102*, W132*.
Identifiers: ClinVar variation 657340 (VCV000657340.6), dbSNP rs747976486, ClinGen allele CA1168948.

ClinVar aggregate classification (germline): Pathogenic (1 of 4 stars; one submission).

Conditions:
Hereditary insensitivity to pain with anhidrosis (CIPA). Also called: hereditary sensory and autonomic neuropathy type 4; FAMILIAL DYSAUTONOMIA, TYPE II; NEUROPATHY, CONGENITAL SENSORY, WITH ANHIDROSIS; NTRK1 Congenital Insensitivity to Pain with Anhidrosis; INSENSITIVITY TO PAIN, CONGENITAL, WITH ANHIDROSIS; HSAN Type IV. Identifiers: Orphanet 642, MedGen C0020074, MONDO:0009746, OMIM 256800.

Allele frequency attached by ClinVar (database versions not stated): TOPMed 0.00001.
gnomAD v4.1: 3 of 1,614,242 alleles (0.00019%); highest among the groups gnomAD compares: Admixed American, 0.005%; no homozygotes.

Submission:

Labcorp Genetics (formerly Invitae), Labcorp
Classification: Pathogenic for Hereditary insensitivity to pain with anhidrosis. Last evaluated: 2025-06-10. Review status: criteria provided, single submitter. Criteria: Invitae Variant Classification Sherloc (09022015). Collection method: clinical testing. Allele origin: germline.
Comment: This sequence change creates a premature translational stop signal (p.Trp132*) in the NTRK1 gene. It is expected to result in an absent or disrupted protein product. Loss-of-function variants in NTRK1 are known to be pathogenic (PMID: 10982191). This variant is present in population databases (rs747976486, gnomAD 0.009%). This variant has not been reported in the literature in individuals affected with NTRK1-related conditions. ClinVar contains an entry for this variant (Variation ID: 657340). Algorithms developed to predict the effect of sequence changes on RNA splicing suggest that this variant may disrupt the consensus splice site. For these reasons, this variant has been classified as Pathogenic.

Literature cited by the submitters: PubMed 10982191.